The following is an entry in ClinVar:

ClinVar aggregate classification (germline): Uncertain significance (1 of 4 stars; one submission).

Submission:

Women's Health and Genetics/Laboratory Corporation of America, LabCorp
Classification: Uncertain significance. Last evaluated: 2022-08-02. Review status: criteria provided, single submitter. Criteria: LabCorp Variant Classification Summary - May 2015. Collection method: clinical testing. Allele origin: germline.
Comment: Variant summary: The variant identified by MLPA or other technology involves the duplication of exons 1-3 in the PMM2 gene, i.e. a region which includes the initiator codon. The exact breakpoint at the 5' end of this variant is unknown and therefore this duplication might extend upstream of the assayed region of the gene. A presumed nomenclature of c.(?_-71)_(255+1_256-1)dup has been designated for the purposes of this classification. It has been assumed that this is a tandem duplication in direct orientation (Richardson_GIM_2018, Newman_AJHG_2015). Since the exact breakpoints of this duplication are not known, it is not possible to predict the protein level effect of this variant. The variant was absent in 21692 control chromosomes in the gnomAD database (structural variants dataset). The available data on variant occurrences in the general population are insufficient to allow any conclusion about variant significance. To our knowledge, no occurrence of c.(?_-71)_(255+1_256-1)dup in individuals affected with Congenital Disorder of Glycosylation Type 1a and no experimental evidence demonstrating its impact on protein function have been reported. No clinical diagnostic laboratories have submitted clinical-significance assessments for this variant to ClinVar after 2014. Based on the evidence outlined above, the variant was classified as uncertain significance.

NC_000016.9:g.(?_8891669)_(8898701_8900172)dup

Gene: PMM2 (phosphomannomutase 2; plus strand). Cytogenetic location: 16p13.2.
Variant type: Duplication.
Identifiers: ClinVar variation 1705124 (VCV001705124.1).